The following is an entry in ClinVar:

ClinVar aggregate classification (germline): Uncertain significance (1 of 4 stars; one submission).

Conditions:
Long QT syndrome (LQTS). Identifiers: MedGen C0023976, MeSH D008133, MONDO:0002442. Disease mechanism: loss of function. Inheritance: Various modes of inheritance.

Submission:

All of Us Research Program, National Institutes of Health
Classification: Uncertain significance for Long QT syndrome. Last evaluated: 2023-06-26. Review status: criteria provided, single submitter. Criteria: ACMG Guidelines, 2015. Collection method: clinical testing. Allele origin: germline. Inheritance: Autosomal dominant inheritance. Observed: 1 variant allele, 1 heterozygote.
Comment: This variant causes a deletion of 1 nucleotide from the intron 12 splice acceptor region of the KCNQ1 gene. To our knowledge, functional studies have not been performed for this variant. This variant has not been reported in individuals affected with cardiovascular disorders in the literature. This variant has not been identified in the general population by the Genome Aggregation Database (gnomAD). The available evidence is insufficient to determine the role of this variant in disease conclusively. Therefore, this variant is classified as a Variant of Uncertain Significance.

This study involves interpretation of variants in research participants for the purpose of population health screening. Participant phenotype was not available at the time of variant classification. Additional details can be found in publication PMID: 35346344, PMCID: PMC8962531

NM_000218.3(KCNQ1):c.1591-5del

Gene: KCNQ1 (potassium voltage-gated channel subfamily Q member 1; plus strand). Cytogenetic location: 11p15.5.
Variant type: Deletion.
Coding change: c.1591-5del on transcript NM_000218.3 (MANE Select); 5 bases into the intron before coding-DNA position 1591, one base deleted (C; older notation c.1591-5delC).
Molecular consequence: intron variant.
Genome position (GRCh38, 1-based): chr11:2,775,955, C deleted; the last of 3 consecutive C bases (chr11:2,775,953-2,775,955); deleting any one gives the same sequence. VCF-style (leftmost placement, unchanged base first): chr11-2775952-TC-T. GRCh37 (hg19) VCF-style: chr11-2797182-TC-T.
Other names: c.1321-5del (NM_001406837.1); c.1495-5del (NM_001406836.1); c.1051-5del (NM_001406838.1); c.1210-5del (NM_181798.2).
Identifiers: ClinVar variation 3071917 (VCV003071917.1), dbSNP rs2494138614, ClinGen allele CA2612008597.